The following is an entry in ClinVar:

NM_013372.7(GREM1):c.211G>C (p.Glu71Gln)

Gene: GREM1 (gremlin 1, DAN family BMP antagonist; plus strand). Cytogenetic location: 15q13.3.
Variant type: single nucleotide variant.
Coding change: c.211G>C on transcript NM_013372.7 (MANE Select); coding-DNA position 211, G replaced by C.
Protein change: p.Glu71Gln; replaces glutamic acid 71 with glutamine.
Molecular consequence: missense variant. On other transcripts: intron variant (2).
Genome position (GRCh38, 1-based): chr15:32,730,901, G>C. VCF-style: chr15-32730901-G-C. GRCh37 (hg19) VCF-style: chr15-33023102-G-C.
Other names: c.211G>C, p.Glu71Gln (NM_001368719.1); c.115-27G>C (NM_001191323.2); c.28-27G>C (NM_001191322.2); short protein forms E71Q.
Identifiers: ClinVar variation 5022513 (VCV005022513.1).

ClinVar aggregate classification (germline): Uncertain significance (1 of 4 stars; one submission).

Conditions:
Hereditary cancer-predisposing syndrome. Also called: Neoplastic Syndromes, Hereditary; Tumor predisposition; Hereditary neoplastic syndrome; Hereditary Cancer Syndrome. Identifiers: Orphanet 140162, MedGen C0027672, MeSH D009386, MONDO:0015356.

Submission:

Ambry Genetics
Classification: Uncertain significance for Hereditary cancer-predisposing syndrome. Last evaluated: 2026-07-25. Review status: criteria provided, single submitter. Criteria: Ambry Variant Classification Scheme 2023. Collection method: clinical testing. Allele origin: germline.
Comment: The p.E71Q variant (also known as c.211G>C), located in coding exon 1 of the GREM1 gene, results from a G to C substitution at nucleotide position 211. The glutamic acid at codon 71 is replaced by glutamine, an amino acid with highly similar properties. This amino acid position is conserved. In addition, this alteration is predicted to be tolerated by in silico analysis. Based on the available evidence, the clinical significance of this variant remains unclear.